The following is an entry in ClinVar:

ClinVar aggregate classification (germline): Uncertain significance (1 of 4 stars; one submission).

Conditions:
Tuberous sclerosis 2 (TSC2). Identifiers: Orphanet 805, MedGen C1860707, MONDO:0013199, OMIM 613254.

Submission:

Labcorp Genetics (formerly Invitae), Labcorp
Classification: Uncertain significance for Tuberous sclerosis 2. Last evaluated: 2025-08-18. Review status: criteria provided, single submitter. Criteria: Invitae Variant Classification Sherloc (09022015). Collection method: clinical testing. Allele origin: germline.
Comment: This sequence change replaces arginine, which is basic and polar, with threonine, which is neutral and polar, at codon 406 of the TSC2 protein (p.Arg406Thr). This variant is not present in population databases (gnomAD no frequency). This variant has not been reported in the literature in individuals affected with TSC2-related conditions. Invitae Evidence Modeling of protein sequence and biophysical properties (such as structural, functional, and spatial information, amino acid conservation, physicochemical variation, residue mobility, and thermodynamic stability) indicates that this missense variant is not expected to disrupt TSC2 protein function with a negative predictive value of 95%. In summary, the available evidence is currently insufficient to determine the role of this variant in disease. Therefore, it has been classified as a Variant of Uncertain Significance.

NM_000548.5(TSC2):c.1217G>C (p.Arg406Thr)

Gene: TSC2 (TSC complex subunit 2; plus strand). Cytogenetic location: 16p13.3.
Variant type: single nucleotide variant.
Coding change: c.1217G>C on transcript NM_000548.5 (MANE Select); coding-DNA position 1217, G replaced by C.
Protein change: p.Arg406Thr; replaces arginine 406 with threonine.
Molecular consequence: missense variant. On other transcripts: 5 prime UTR variant (10), non-coding transcript variant (5).
Genome position (GRCh38, 1-based): chr16:2,061,968, G>C. VCF-style: chr16-2061968-G-C. GRCh37 (hg19) VCF-style: chr16-2111969-G-C.
Other names: c.1217G>C, p.Arg406Thr (NM_001077183.3, NM_001114382.3, NM_001363528.2 and 6 more transcripts); c.1106G>C, p.Arg369Thr (NM_001318827.2, NM_001406670.1, NM_001406678.1); c.1070G>C, p.Arg357Thr (NM_001318829.2, NM_001406679.1, NM_001406675.1 and 1 more transcripts); c.617G>C, p.Arg206Thr (NM_001318831.2, NM_001406680.1, NM_001406682.1 and 6 more transcripts); c.1250G>C, p.Arg417Thr (NM_001318832.2); c.755G>C, p.Arg252Thr (NM_001406681.1); c.-128G>C (NM_001406689.1, NM_001406690.1, NM_001406691.1 and 4 more transcripts); c.-96G>C (NM_001406694.1, NM_001406695.1); and 4 more; short protein forms R206T, R252T, R357T, R369T, R387T, R402T, R406T, R417T.
Identifiers: ClinVar variation 4802846 (VCV004802846.1).